The following is an entry in ClinVar:

ClinVar aggregate classification (germline): Benign. Review status: criteria provided, multiple submitters, no conflicts (2 of 4 stars). 7 submissions from 7 submitters: Benign (5). 2 of the submissions do not count toward it. Last evaluated 2026-04-01.

Conditions:
Fraser syndrome 1 (FRASRS1). Also called: CRYPTOPHTHALMOS WITH OTHER MALFORMATIONS. Identifiers: Orphanet 2052, MedGen C4551480, MONDO:0054737, OMIM 219000.

Allele frequency attached by ClinVar (database versions not stated): 1000 Genomes Project 30x 0.00609; 1000 Genomes Project 0.00619; ESP Exome Variant Server 0.00872; gnomAD 0.00963 and 0.00966; TOPMed 0.01024.
gnomAD v4.1: 19,976 of 1,556,826 alleles (1.3%); highest among the groups gnomAD compares: Middle Eastern, 5.5%; 165 homozygotes.

Submissions (7):

CeGaT Center for Human Genetics Tuebingen
Classification: Benign. Last evaluated: 2026-04-01. Review status: criteria provided, single submitter. Criteria: CeGaT Center For Human Genetics Tuebingen Variant Classification Criteria Version 2. Collection method: clinical testing. Allele origin: germline. Affected: yes. Observed: 8 variant alleles.
Comment: FRAS1: BP4, BS1, BS2

Labcorp Genetics (formerly Invitae), Labcorp
Classification: Benign. Last evaluated: 2026-02-02. Review status: criteria provided, single submitter. Criteria: Invitae Variant Classification Sherloc (09022015). Collection method: clinical testing. Allele origin: germline.

Mayo Clinic Laboratories, Mayo Clinic
Classification: Benign. Last evaluated: 2023-08-10. Review status: criteria provided, single submitter. Criteria: ACMG Guidelines, 2015. Collection method: clinical testing. Allele origin: germline. Observed: 4 variant alleles.
Comment: BS1, BS2, BP4

Illumina Laboratory Services, Illumina
Classification: Benign for Fraser syndrome 1. Last evaluated: 2018-01-12. Review status: criteria provided, single submitter. Criteria: ICSL Variant Classification Criteria 13 December 2019. Collection method: clinical testing. Allele origin: germline.
Comment: This variant was observed in the ICSL laboratory as part of a predisposition screen in an ostensibly healthy population. It had not been previously curated by ICSL or reported in the Human Gene Mutation Database (HGMD: prior to June 1st, 2018), and was therefore a candidate for classification through an automated scoring system. Utilizing variant allele frequency, disease prevalence and penetrance estimates, and inheritance mode, an automated score was calculated to assess if this variant is too frequent to cause the disease. Based on the score and internal cut-off values, a variant classified as benign is not then subjected to further curation. The score for this variant resulted in a classification of benign for this disease.

Breakthrough Genomics
Classification: Benign. Review status: criteria provided, single submitter. Criteria: ACMG Guidelines, 2015. Collection method: not provided. Allele origin: germline. Inheritance: Autosomal recessive inheritance. Affected: yes.

Genome Diagnostics Laboratory, University Medical Center Utrecht
Classification: Benign. Review status: no assertion criteria provided. Collection method: clinical testing. Allele origin: germline. Affected: yes. Study: VKGL Data-share Consensus. Not counted in ClinVar's aggregate classification.

Laboratory of Diagnostic Genome Analysis, Leiden University Medical Center (LUMC)
Classification: Likely benign. Review status: no assertion criteria provided. Collection method: clinical testing. Allele origin: germline. Affected: yes. Study: VKGL Data-share Consensus. Not counted in ClinVar's aggregate classification.

NM_025074.7(FRAS1):c.518G>A (p.Arg173Gln)

Gene: FRAS1 (Fraser extracellular matrix complex subunit 1; plus strand). Cytogenetic location: 4q21.21.
Variant type: single nucleotide variant.
Coding change: c.518G>A on transcript NM_025074.7 (MANE Select); coding-DNA position 518, G replaced by A.
Protein change: p.Arg173Gln; replaces arginine 173 with glutamine.
Molecular consequence: missense variant.
Genome position (GRCh38, 1-based): chr4:78,255,290, G>A. VCF-style: chr4-78255290-G-A. GRCh37 (hg19) VCF-style: chr4-79176444-G-A.
Other names: p.Arg173Gln; c.518G>A, p.Arg173Gln (NM_001166133.2); short protein forms R173Q.
Identifiers: ClinVar variation 349660 (VCV000349660.37), dbSNP rs147332320, ClinGen allele CA2975977.